The following is an entry in ClinVar:

NM_020435.4(GJC2):c.300C>A (p.His100Gln)

Gene: GJC2 (gap junction protein gamma 2; plus strand). Cytogenetic location: 1q42.13.
Variant type: single nucleotide variant.
Coding change: c.300C>A on transcript NM_020435.4 (MANE Select); coding-DNA position 300, C replaced by A.
Protein change: p.His100Gln; replaces histidine 100 with glutamine.
Molecular consequence: missense variant.
Genome position (GRCh38, 1-based): chr1:228,158,058, C>A. VCF-style: chr1-228158058-C-A. GRCh37 (hg19) VCF-style: chr1-228345759-C-A.
Other names: short protein forms H100Q.
Identifiers: ClinVar variation 1344348 (VCV001344348.4), dbSNP rs372240320, ClinGen allele CA1430836.

ClinVar aggregate classification (germline): Uncertain significance. Review status: criteria provided, multiple submitters, no conflicts (2 of 4 stars). 2 submissions from 2 submitters: Uncertain significance (2). Last evaluated 2026-01-26.

Conditions:
Spastic paraplegia. Identifiers: MedGen C0037772, HP:0001258.
Hereditary spastic paraplegia. Also called: Familial spastic paraparesis. Identifiers: Orphanet 685, MedGen C0037773, MONDO:0019064. Disease mechanism: loss of function.

Allele frequency attached by ClinVar (database versions not stated): gnomAD 0.00001; ExAC 0.00002; TOPMed 0.00002; gnomAD exomes 0.00003; ESP Exome Variant Server 0.00008.
gnomAD v4.1: 42 of 1,605,618 alleles (0.0026%); highest among the groups gnomAD compares: Non-Finnish European, 0.0035%; no homozygotes.

Submissions (2):

Labcorp Genetics (formerly Invitae), Labcorp
Classification: Uncertain significance for Spastic paraplegia. Last evaluated: 2026-01-26. Review status: criteria provided, single submitter. Criteria: Invitae Variant Classification Sherloc (09022015). Collection method: clinical testing. Allele origin: germline.
Comment: This sequence change replaces histidine, which is basic and polar, with glutamine, which is neutral and polar, at codon 100 of the GJC2 protein (p.His100Gln). This variant is present in population databases (rs372240320, gnomAD 0.006%). This variant has not been reported in the literature in individuals affected with GJC2-related conditions. ClinVar contains an entry for this variant (Variation ID: 1344348). Invitae Evidence Modeling of protein sequence and biophysical properties (such as structural, functional, and spatial information, amino acid conservation, physicochemical variation, residue mobility, and thermodynamic stability) has been performed for this missense variant. However, the output from this modeling did not meet the statistical confidence thresholds required to predict the impact of this variant on GJC2 protein function. In summary, the available evidence is currently insufficient to determine the role of this variant in disease. Therefore, it has been classified as a Variant of Uncertain Significance.

Genome Diagnostics Laboratory, The Hospital for Sick Children
Classification: Uncertain significance for Hereditary spastic paraplegia. Last evaluated: 2016-12-12. Review status: criteria provided, single submitter. Criteria: ACMG Guidelines, 2015. Collection method: clinical testing. Allele origin: germline. Affected: yes.